The following is an entry in ClinVar:

NM_019109.5(ALG1):c.485C>T (p.Ser162Phe)

Gene: ALG1 (ALG1 chitobiosyldiphosphodolichol beta-mannosyltransferase; plus strand). Cytogenetic location: 16p13.3.
Variant type: single nucleotide variant.
Coding change: c.485C>T on transcript NM_019109.5 (MANE Select); coding-DNA position 485, C replaced by T.
Protein change: p.Ser162Phe; replaces serine 162 with phenylalanine.
Molecular consequence: missense variant.
Genome position (GRCh38, 1-based): chr16:5,075,482, C>T. VCF-style: chr16-5075482-C-T. GRCh37 (hg19) VCF-style: chr16-5125483-C-T.
Other names: c.152C>T, p.Ser51Phe (NM_001330504.2); short protein forms S162F, S51F.
Identifiers: ClinVar variation 1424717 (VCV001424717.6), dbSNP rs755804171, ClinGen allele CA7889843.
Genomic context (GRCh38, chr16:5,075,482, plus strand): 5'-GGTTCGTGGGCTGCCTTTGTGGAAGCAAGCTCGTCATTGACTGGCACAACTATGGCTACT[C>T]CATCATGGGTCTGGTGCATGGCCCCAACCATCCCCTCGTTCTGCTGGCCAAGTGGTGAGA-3'
Protein context (NP_061982.3, residues 152-172): LVIDWHNYGY[Ser162Phe]IMGLVHGPNH

ClinVar aggregate classification (germline): Uncertain significance (1 of 4 stars; one submission).

Conditions:
ALG1-congenital disorder of glycosylation. Also called: CDG Ik; CONGENITAL DISORDER OF GLYCOSYLATION, TYPE Ik; ALG1-CDG. Identifiers: Orphanet 79327, MedGen C2931005, MONDO:0012052, OMIM 608540.

Allele frequency attached by ClinVar (database versions not stated): gnomAD exomes below 0.00001 and 0.00001; ExAC 0.00002; gnomAD 0.00006; TOPMed 0.00006.

Submission:

Labcorp Genetics (formerly Invitae), Labcorp
Classification: Uncertain significance for ALG1-congenital disorder of glycosylation. Last evaluated: 2024-08-12. Review status: criteria provided, single submitter. Criteria: Invitae Variant Classification Sherloc (09022015). Collection method: clinical testing. Allele origin: germline.
Comment: This sequence change replaces serine, which is neutral and polar, with phenylalanine, which is neutral and non-polar, at codon 162 of the ALG1 protein (p.Ser162Phe). This variant is present in population databases (rs755804171, gnomAD 0.03%). This variant has not been reported in the literature in individuals affected with ALG1-related conditions. ClinVar contains an entry for this variant (Variation ID: 1424717). Advanced modeling of protein sequence and biophysical properties (such as structural, functional, and spatial information, amino acid conservation, physicochemical variation, residue mobility, and thermodynamic stability) performed at Invitae indicates that this missense variant is not expected to disrupt ALG1 protein function with a negative predictive value of 80%. In summary, the available evidence is currently insufficient to determine the role of this variant in disease. Therefore, it has been classified as a Variant of Uncertain Significance.